The following is an entry in ClinVar:

ClinVar aggregate classification (germline): Uncertain significance (1 of 4 stars; one submission).

gnomAD v4.1: 3 of 1,614,154 alleles (0.00019%); highest among the groups gnomAD compares: African/African-American, 0.0013%; no homozygotes.

Submission:

GeneDx
Classification: Uncertain significance. Last evaluated: 2024-11-12. Review status: criteria provided, single submitter. Criteria: GeneDx Variant Classification Process June 2021. Collection method: clinical testing. Allele origin: germline. Affected: yes.
Comment: Not observed at significant frequency in large population cohorts (gnomAD); In silico analysis indicates that this missense variant does not alter protein structure/function; Has not been previously published as pathogenic or benign to our knowledge

NM_017636.4(TRPM4):c.3331G>T (p.Val1111Phe)

Gene: TRPM4 (transient receptor potential cation channel subfamily M member 4; plus strand). Cytogenetic location: 19q13.33.
Variant type: single nucleotide variant.
Coding change: c.3331G>T on transcript NM_017636.4 (MANE Select); coding-DNA position 3331, G replaced by T.
Protein change: p.Val1111Phe; replaces valine 1111 with phenylalanine.
Molecular consequence: missense variant.
Genome position (GRCh38, 1-based): chr19:49,210,712, G>T. VCF-style: chr19-49210712-G-T. GRCh37 (hg19) VCF-style: chr19-49713969-G-T.
Other names: c.2896G>T, p.Val966Phe (NM_001195227.2); c.2986G>T, p.Val996Phe (NM_001321281.2); c.1723G>T, p.Val575Phe (NM_001321282.2); c.2809G>T, p.Val937Phe (NM_001321283.2); c.2269G>T, p.Val757Phe (NM_001321285.2); short protein forms V1111F, V575F, V757F, V937F, V966F, V996F.
Identifiers: ClinVar variation 3898779 (VCV003898779.1).
Genomic context (GRCh38, chr19:49,210,712, plus strand): 5'-GCAGCTGGGATTGGGAAGGGGCGTGGCCTGAGCCCTTTGACTCCGCCCGCCCCTGCAGGG[G>T]TTTACCTTTCTAAGGAAGCCGAGCGGAAGCTGCTAACGTGGGAATCGGTGCATAAGGAGA-3'
Protein context (NP_060106.2, residues 1101-1121): PSSPALEHFR[Val1111Phe]YLSKEAERKL